The following is an entry in ClinVar:

ClinVar aggregate classification (germline): Uncertain significance. Review status: criteria provided, multiple submitters, no conflicts (2 of 4 stars). 4 submissions from 4 submitters: Uncertain significance (4). Last evaluated 2025-09-29.

Conditions:
Hereditary cancer-predisposing syndrome. Also called: Neoplastic Syndromes, Hereditary; Tumor predisposition; Hereditary Cancer Syndrome; Hereditary neoplastic syndrome. Identifiers: Orphanet 140162, MedGen C0027672, MeSH D009386, MONDO:0015356.
Familial adenomatous polyposis 1 (FAP1). Also called: FAMILIAL ADENOMATOUS POLYPOSIS 1, ATTENUATED; POLYPOSIS, ADENOMATOUS INTESTINAL. Identifiers: MedGen C2713442, MONDO:0021056, OMIM 175100. Disease mechanism: loss of function.

Submissions (4):

Women's Health and Genetics/Laboratory Corporation of America, LabCorp
Classification: Uncertain significance. Last evaluated: 2025-09-29. Review status: criteria provided, single submitter. Criteria: LabCorp Variant Classification Summary - May 2015. Collection method: clinical testing. Allele origin: germline.
Comment: Variant summary: APC c.7119G>A (p.Met2373Ile) results in a conservative amino acid change in the encoded protein sequence. Algorithms developed to predict the effect of missense changes on protein structure and function are either unavailable or do not agree on the potential impact of this missense change. The variant was absent in 249942 control chromosomes. The available data on variant occurrences in the general population are insufficient to allow any conclusion about variant significance. To our knowledge, no occurrence of c.7119G>A in individuals affected with APC-related conditions and no experimental evidence demonstrating its impact on protein function have been reported. ClinVar contains an entry for this variant (Variation ID: 1757245). Based on the evidence outlined above, the variant was classified as uncertain significance.

Ambry Genetics
Classification: Uncertain significance for Hereditary cancer-predisposing syndrome. Last evaluated: 2024-12-31. Review status: criteria provided, single submitter. Criteria: Ambry Variant Classification Scheme 2023. Collection method: clinical testing. Allele origin: germline.
Comment: The p.M2373I variant (also known as c.7119G>A), located in coding exon 15 of the APC gene, results from a G to A substitution at nucleotide position 7119. The methionine at codon 2373 is replaced by isoleucine, an amino acid with highly similar properties. This amino acid position is not well conserved in available vertebrate species. In addition, in silico predictors for this gene do not accurately predict pathogenicity. Missense alterations in APC are not a common cause of disease (Spier I et al. Genet Med. 2024 Feb;26(2):100992). Based on the available evidence, the clinical significance of this variant remains unclear.

Labcorp Genetics (formerly Invitae), Labcorp
Classification: Uncertain significance for Familial adenomatous polyposis 1. Last evaluated: 2024-07-30. Review status: criteria provided, single submitter. Criteria: Invitae Variant Classification Sherloc (09022015). Collection method: clinical testing. Allele origin: germline.
Comment: This sequence change replaces methionine, which is neutral and non-polar, with isoleucine, which is neutral and non-polar, at codon 2373 of the APC protein (p.Met2373Ile). This variant is not present in population databases (gnomAD no frequency). This variant has not been reported in the literature in individuals affected with APC-related conditions. ClinVar contains an entry for this variant (Variation ID: 1757245). Advanced modeling of protein sequence and biophysical properties (such as structural, functional, and spatial information, amino acid conservation, physicochemical variation, residue mobility, and thermodynamic stability) performed at Invitae indicates that this missense variant is not expected to disrupt APC protein function with a negative predictive value of 95%. In summary, the available evidence is currently insufficient to determine the role of this variant in disease. Therefore, it has been classified as a Variant of Uncertain Significance.

St. Jude Molecular Pathology, St. Jude Children's Research Hospital
Classification: Uncertain significance for Familial adenomatous polyposis 1. Last evaluated: 2023-02-07. Review status: criteria provided, single submitter. Criteria: St. Jude Assertion Criteria 2020. Collection method: clinical testing. Allele origin: germline.
Comment: The APC c.7119G>A (p.Met2373Ile) missense change is absent in gnomAD v2.1.1. The in silico tool REVEL predicts a benign effect of this variant on protein function, but to our knowledge functional studies have not been performed. To our knowledge, this variant has not been reported in individuals with APC-related familial adenomatous polyposis. In summary, the evidence currently available is insufficient to determine the clinical significance of this variant. It has therefore been classified as of uncertain significance.?

NM_000038.6(APC):c.7119G>A (p.Met2373Ile)

Gene: APC (APC regulator of Wnt signaling pathway; plus strand). Cytogenetic location: 5q22.2.
Variant type: single nucleotide variant.
Coding change: c.7119G>A on transcript NM_000038.6 (MANE Select); coding-DNA position 7119, G replaced by A.
Protein change: p.Met2373Ile; replaces methionine 2373 with isoleucine.
Molecular consequence: missense variant.
Genome position (GRCh38, 1-based): chr5:112,842,713, G>A. VCF-style: chr5-112842713-G-A. GRCh37 (hg19) VCF-style: chr5-112178410-G-A.
Other names: c.7119G>A, p.Met2373Ile (NM_001127510.3, NM_001354895.2, NM_001407450.1); c.7065G>A, p.Met2355Ile (NM_001127511.3); c.7173G>A, p.Met2391Ile (NM_001354896.2, NM_001407447.1, NM_001407448.1 and 1 more transcripts); c.7149G>A, p.Met2383Ile (NM_001354897.2); c.7044G>A, p.Met2348Ile (NM_001354898.2); c.7035G>A, p.Met2345Ile (NM_001354899.2); c.6996G>A, p.Met2332Ile (NM_001354900.2); c.6942G>A, p.Met2314Ile (NM_001354901.2, NM_001407453.1); and 11 more; short protein forms M2244I, M2247I, M2366I, M2373I, M2401I, M2282I, M2345I, M2383I.
Identifiers: ClinVar variation 1757245 (VCV001757245.7), dbSNP rs2149980430, ClinGen allele CA16036834.